The following is an entry in ClinVar:

NM_005732.4(RAD50):c.2944_2945insTT (p.Lys982fs)

Gene: RAD50 (RAD50 double strand break repair protein; plus strand). Cytogenetic location: 5q31.1.
Variant type: Insertion.
Coding change: c.2944_2945insTT on transcript NM_005732.4 (MANE Select); coding-DNA positions 2944 to 2945, TT inserted.
Protein change: p.Lys982fs; shifts the reading frame from lysine 982.
Molecular consequence: frameshift variant.
Genome position: GRCh38 VCF-style: chr5-132609304-A-ATT. GRCh37 (hg19) VCF-style: chr5-131944996-A-ATT.
Other names: short protein forms K982fs.
Identifiers: ClinVar variation 1073816 (VCV001073816.7), dbSNP rs2149849846, ClinGen allele CA2499217585.

ClinVar aggregate classification (germline): Pathogenic (1 of 4 stars; one submission).

Conditions:
Hereditary cancer-predisposing syndrome. Also called: Tumor predisposition; Hereditary neoplastic syndrome; Neoplastic Syndromes, Hereditary; Hereditary Cancer Syndrome. Identifiers: Orphanet 140162, MedGen C0027672, MeSH D009386, MONDO:0015356.

Submission:

Labcorp Genetics (formerly Invitae), Labcorp
Classification: Pathogenic for Hereditary cancer-predisposing syndrome. Last evaluated: 2021-10-07. Review status: criteria provided, single submitter. Criteria: Invitae Variant Classification Sherloc (09022015). Collection method: clinical testing. Allele origin: germline.
Comment: Loss-of-function variants in RAD50 are known to be pathogenic (PMID: 16385572, 19409520). For these reasons, this variant has been classified as Pathogenic. This variant has not been reported in the literature in individuals with RAD50-related conditions. This variant is not present in population databases (ExAC no frequency). This sequence change creates a premature translational stop signal (p.Lys982Ilefs*3) in the RAD50 gene. It is expected to result in an absent or disrupted protein product.

Literature cited by the submitters: PubMed 16385572; PubMed 19409520.